The following is an entry in ClinVar:

NM_000153.4(GALC):c.724G>T (p.Glu242Ter)

Gene: GALC (galactosylceramidase; minus strand). Cytogenetic location: 14q31.3.
Variant type: single nucleotide variant.
Coding change: c.724G>T on transcript NM_000153.4 (MANE Select); coding-DNA position 724, G replaced by T.
Protein change: p.Glu242Ter; replaces glutamic acid 242 with a stop codon.
Molecular consequence: nonsense. On other transcripts: non-coding transcript variant (1).
Genome position (GRCh38, 1-based): chr14:87,976,386, C>A on the plus strand (G>T on the coding strand, the complement: GALC is on the minus strand). VCF-style: chr14-87976386-C-A. GRCh37 (hg19) VCF-style: chr14-88442730-C-A.
Other names: c.655G>T, p.Glu219Ter (NM_001201401.2); c.646G>T, p.Glu216Ter (NM_001201402.2); c.556G>T, p.Glu186Ter (NM_001424071.1, NM_001424072.1, NM_001424073.1); c.376G>T, p.Glu126Ter (NM_001424074.1, NM_001424075.1); c.91G>T, p.Glu31Ter (NM_001424076.1, NM_001424077.1); short protein forms E126*, E186*, E216*, E219*, E242*, E31*.
Identifiers: ClinVar variation 5015511 (VCV005015511.1).

ClinVar aggregate classification (germline): Pathogenic (1 of 4 stars; one submission).

Conditions:
Galactosylceramide beta-galactosidase deficiency. Also called: GALACTOCEREBROSIDASE DEFICIENCY; GALC DEFICIENCY; GLOBOID CELL LEUKOENCEPHALOPATHY; Leukodystrophy, Globoid Cell; Krabbe Disease. Identifiers: Orphanet 487, MedGen C0023521, MONDO:0009499, OMIM 245200.

Submission:

Myriad Genetics, Inc.
Classification: Pathogenic for Galactosylceramide beta-galactosidase deficiency. Last evaluated: 2026-02-04. Review status: criteria provided, single submitter. Criteria: Myriad Autosomal Dominant, Autosomal Recessive and X-Linked Classification Criteria (2023). Collection method: clinical testing. Allele origin: unknown.
Comment: NM_000153.3(GALC):c.724G>T(E242*) is expected to be pathogenic in the context of Krabbe disease. This variant is predicted to lead to an abnormal or absent protein product due to the creation of a premature termination codon in GALC, a gene where loss-of-function variants are known to be pathogenic. Please note: this variant was assessed in the context of healthy population screening.